The following is an entry in ClinVar:

ClinVar aggregate classification (germline): Likely pathogenic (1 of 4 stars; one submission).

Allele frequency attached by ClinVar (database versions not stated): gnomAD exomes below 0.00001.

Submission:

Labcorp Genetics (formerly Invitae), Labcorp
Classification: Likely pathogenic. Last evaluated: 2021-02-02. Review status: criteria provided, single submitter. Criteria: Invitae Variant Classification Sherloc (09022015). Collection method: clinical testing. Allele origin: germline.
Comment: In summary, the currently available evidence indicates that the variant is pathogenic, but additional data are needed to prove that conclusively. Therefore, this variant has been classified as Likely Pathogenic. Algorithms developed to predict the effect of sequence changes on RNA splicing suggest that this variant may disrupt the consensus splice site, but this prediction has not been confirmed by published transcriptional studies. This variant has not been reported in the literature in individuals with PUS1-related conditions. This variant is not present in population databases (ExAC no frequency). This sequence change affects an acceptor splice site in intron 2 of the PUS1 gene. It is expected to disrupt RNA splicing. Variants that disrupt the donor or acceptor splice site typically lead to a loss of protein function (PMID: 16199547), and loss-of-function variants in PUS1 are known to be pathogenic (PMID: 17056637, 19731322, 25058219, 26556812).

Literature cited by the submitters: PubMed 16199547; PubMed 17056637; PubMed 19731322; PubMed 25058219; PubMed 26556812.

NM_025215.6(PUS1):c.304-2A>G

Gene: PUS1 (pseudouridine synthase 1; plus strand). Cytogenetic location: 12q24.33.
Variant type: single nucleotide variant.
Coding change: c.304-2A>G on transcript NM_025215.6 (MANE Select); the canonical splice acceptor site of the intron before coding-DNA position 304, A replaced by G.
Molecular consequence: splice acceptor variant.
Genome position (GRCh38, 1-based): chr12:131,932,173, A>G. VCF-style: chr12-131932173-A-G. GRCh37 (hg19) VCF-style: chr12-132416718-A-G.
Other names: c.220-2A>G (NM_001002019.3, NM_001002020.3).
Identifiers: ClinVar variation 1503401 (VCV001503401.8), dbSNP rs2136432221, ClinGen allele CA387297865.